The following is an entry in ClinVar:

ClinVar aggregate classification (germline): Conflicting classifications of pathogenicity. Review status: criteria provided, conflicting classifications (1 of 4 stars). 4 submissions from 4 submitters: Uncertain significance (1); Likely benign (3). Last evaluated 2025-10-04.

Conditions:
Fibrous dysplasia of jaw (CRBM). Also called: Cherubism. Identifiers: Orphanet 184, MedGen C0008029, MONDO:0007315, OMIM 118400.
Inborn genetic diseases. Identifiers: MedGen C0950123, MeSH D030342.

Allele frequency attached by ClinVar (database versions not stated): gnomAD exomes 0.00003 and 0.00010; ExAC 0.00008; TOPMed 0.00010; gnomAD 0.00011 and 0.00012; ESP Exome Variant Server 0.00015.
gnomAD v4.1: 58 of 1,612,882 alleles (0.0036%); highest among the groups gnomAD compares: African/African-American, 0.027%; no homozygotes.

Submissions (4):

Labcorp Genetics (formerly Invitae), Labcorp
Classification: Likely benign for Fibrous dysplasia of jaw. Last evaluated: 2025-10-04. Review status: criteria provided, single submitter. Criteria: Invitae Variant Classification Sherloc (09022015). Collection method: clinical testing. Allele origin: germline.

Women's Health and Genetics/Laboratory Corporation of America, LabCorp
Classification: Likely benign. Last evaluated: 2025-05-28. Review status: criteria provided, single submitter. Criteria: LabCorp Variant Classification Summary - May 2015. Collection method: clinical testing. Allele origin: germline.
Comment: Variant summary: SH3BP2 c.1385C>T (p.Thr462Met) results in a non-conservative amino acid change in the encoded protein sequence. Algorithms developed to predict the effect of missense changes on protein structure and function are either unavailable or do not agree on the potential impact of this missense change. The variant allele was found at a frequency of 0.0001 in 250460 control chromosomes. The observed variant frequency is approximately 99.82 fold of the estimated maximal expected allele frequency for a pathogenic variant in SH3BP2 causing Fibrous dysplasia of jaw phenotype (1e-06). To our knowledge, no occurrence of c.1385C>T in individuals affected with Fibrous dysplasia of jaw and no experimental evidence demonstrating its impact on protein function have been reported. ClinVar contains an entry for this variant (Variation ID: 998943). Based on the evidence outlined above, the variant was classified as likely benign.

Ambry Genetics
Classification: Uncertain significance for Inborn genetic diseases. Last evaluated: 2024-10-08. Review status: criteria provided, single submitter. Criteria: Ambry Variant Classification Scheme 2023. Collection method: clinical testing. Allele origin: germline.

Blueprint Genetics
Classification: Likely benign. Last evaluated: 2024-04-24. Review status: criteria provided, single submitter. Criteria: ACMG Guidelines, 2015. Collection method: clinical testing. Allele origin: germline.

NM_001122681.2(SH3BP2):c.1385C>T (p.Thr462Met)

Gene: SH3BP2 (SH3 domain binding protein 2; plus strand). Cytogenetic location: 4p16.3.
Variant type: single nucleotide variant.
Coding change: c.1385C>T on transcript NM_001122681.2 (MANE Select); coding-DNA position 1385, C replaced by T.
Protein change: p.Thr462Met; replaces threonine 462 with methionine.
Molecular consequence: missense variant.
Genome position (GRCh38, 1-based): chr4:2,831,957, C>T. VCF-style: chr4-2831957-C-T. GRCh37 (hg19) VCF-style: chr4-2833684-C-T.
Other names: c.1469C>T, p.Thr490Met (NM_001145855.2); c.1556C>T, p.Thr519Met (NM_001145856.2); c.1385C>T, p.Thr462Met (NM_003023.4); short protein forms T462M, T490M, T519M.
Identifiers: ClinVar variation 998943 (VCV000998943.11), dbSNP rs201536400, ClinGen allele CA2819501.
Genomic context (GRCh38, chr4:2,831,957, plus strand): 5'-GCACTGACACCGTCAGCCTCTTGCAGGTGCCACTGCCCAACTCGGTCTTCGTCAACACCA[C>T]GGAGTCCTGCGAAGTGGAAAGGTCAGCACAAAGCCCTGTGTGTGCTGGGTCCTCCGCCAT-3'
Protein context (NP_001116153.1, residues 452-472): PLPNSVFVNT[Thr462Met]ESCEVERLFK